The following is an entry in ClinVar:

ClinVar aggregate classification (germline): Uncertain significance (1 of 4 stars; one submission).

Allele frequency attached by ClinVar (database versions not stated): gnomAD 0.00003; TOPMed 0.00004; 1000 Genomes Project 30x 0.00016; ExAC 0.00017; 1000 Genomes Project 0.00020.
gnomAD v4.1: 69 of 1,609,734 alleles (0.0043%); highest among the groups gnomAD compares: East Asian, 0.14%; no homozygotes.

Submission:

Labcorp Genetics (formerly Invitae), Labcorp
Classification: Uncertain significance. Last evaluated: 2025-10-15. Review status: criteria provided, single submitter. Criteria: Invitae Variant Classification Sherloc (09022015). Collection method: clinical testing. Allele origin: germline.
Comment: This sequence change replaces valine, which is neutral and non-polar, with alanine, which is neutral and non-polar, at codon 292 of the POC5 protein (p.Val292Ala). This variant is present in population databases (rs199868248, gnomAD 0.1%), and has an allele count higher than expected for a pathogenic variant. This variant has not been reported in the literature in individuals affected with POC5-related conditions. ClinVar contains an entry for this variant (Variation ID: 2413772). An algorithm developed to predict the effect of missense changes on protein structure and function outputs the following: PolyPhen-2: "Benign". The alanine amino acid residue is found in multiple mammalian species, which suggests that this missense change does not adversely affect protein function. In summary, the available evidence is currently insufficient to determine the role of this variant in disease. Therefore, it has been classified as a Variant of Uncertain Significance.

NM_001099271.2(POC5):c.875T>C (p.Val292Ala)

Gene: POC5 (POC5 centriolar protein; minus strand). Cytogenetic location: 5q13.3.
Variant type: single nucleotide variant.
Coding change: c.875T>C on transcript NM_001099271.2 (MANE Select); coding-DNA position 875, T replaced by C.
Protein change: p.Val292Ala; replaces valine 292 with alanine.
Molecular consequence: missense variant.
Genome position (GRCh38, 1-based): chr5:75,690,483, A>G on the plus strand (T>C on the coding strand, the complement: POC5 is on the minus strand). VCF-style: chr5-75690483-A-G. GRCh37 (hg19) VCF-style: chr5-74986308-A-G.
Other names: c.800T>C, p.Val267Ala (NM_152408.3); short protein forms V267A, V292A.
Identifiers: ClinVar variation 2413772 (VCV002413772.6), dbSNP rs199868248, ClinGen allele CA3310453.
Genomic context (GRCh38, chr5:75,690,483, plus strand): 5'-CAAACTTCTTCAGCTCTTGCTTGACAAGCTCTTTCTACCACATCTTTCCACTGCTTTTGC[A>G]CTACGGAACGCCAGACTTTCCAGACTTTCTTCAGTAAAGTTCTCTGGTAGTACTGGTCAG-3'
Protein context (NP_001092741.1, residues 282-302): KKVWKVWRSV[Val292Ala]QKQWKDVVER